The following is an entry in ClinVar:

ClinVar aggregate classification (germline): Conflicting classifications of pathogenicity. Review status: criteria provided, conflicting classifications (1 of 4 stars). 4 submissions from 4 submitters: Uncertain significance (2); Likely benign (2). Last evaluated 2026-01-28.

Allele frequency attached by ClinVar (database versions not stated): gnomAD exomes 0.00002; gnomAD 0.00005; ESP Exome Variant Server 0.00008; TOPMed 0.00008.
gnomAD v4.1: 23 of 1,613,700 alleles (0.0014%); highest among the groups gnomAD compares: African/African-American, 0.017%; no homozygotes.

Submissions (4):

Labcorp Genetics (formerly Invitae), Labcorp
Classification: Likely benign. Last evaluated: 2026-01-28. Review status: criteria provided, single submitter. Criteria: Invitae Variant Classification Sherloc (09022015). Collection method: clinical testing. Allele origin: germline.

Blueprint Genetics
Classification: Likely benign. Last evaluated: 2024-08-06. Review status: criteria provided, single submitter. Criteria: ACMG Guidelines, 2015. Collection method: clinical testing. Allele origin: germline.

CeGaT Center for Human Genetics Tuebingen
Classification: Uncertain significance. Last evaluated: 2023-08-01. Review status: criteria provided, single submitter. Criteria: CeGaT Center For Human Genetics Tuebingen Variant Classification Criteria Version 2. Collection method: clinical testing. Allele origin: germline. Affected: yes. Observed: 1 variant allele.
Comment: ADGRV1: PM2, BP4

Athena Diagnostics
Classification: Uncertain significance. Last evaluated: 2018-01-29. Review status: criteria provided, single submitter. Criteria: Athena Diagnostics Criteria. Collection method: clinical testing. Allele origin: germline.

NM_032119.4(ADGRV1):c.4786G>A (p.Val1596Ile)

Gene: ADGRV1 (adhesion G protein-coupled receptor V1; plus strand). Cytogenetic location: 5q14.3.
Variant type: single nucleotide variant.
Coding change: c.4786G>A on transcript NM_032119.4 (MANE Select); coding-DNA position 4786, G replaced by A.
Protein change: p.Val1596Ile; replaces valine 1596 with isoleucine.
Molecular consequence: missense variant. On other transcripts: non-coding transcript variant (1).
Genome position (GRCh38, 1-based): chr5:90,672,579, G>A. VCF-style: chr5-90672579-G-A. GRCh37 (hg19) VCF-style: chr5-89968396-G-A.
Other names: short protein forms V1596I.
Identifiers: ClinVar variation 585370 (VCV000585370.34), dbSNP rs371179945, ClinGen allele CA3339414.